The following is an entry in ClinVar:

ClinVar aggregate classification (germline): Likely benign. Review status: criteria provided, multiple submitters, no conflicts (2 of 4 stars). 2 submissions from 2 submitters: Likely benign (2). Last evaluated 2025-03-20.

Conditions:
PKD1-related disorder. Also called: PKD1-related condition.
Polycystic kidney disease, adult type (PKD1). Also called: Polycystic Kidney Disease 1, Autosomal Dominant; Polycystic kidney disease 1; Polycystic kidney disease 1, severe; POLYCYSTIC KIDNEY DISEASE 1 WITH OR WITHOUT POLYCYSTIC LIVER DISEASE; Polycystic Kidney, Autosomal Dominant; POLYCYSTIC KIDNEY DISEASE, ADULT, TYPE I. Identifiers: MedGen C3149841, MONDO:0008263, OMIM 173900.

gnomAD v4.1: 328 of 1,602,848 alleles (0.02%); highest among the groups gnomAD compares: Non-Finnish European, 0.025%; no homozygotes.

Submissions (2):

PreventionGenetics, part of Exact Sciences
Classification: Likely benign for PKD1-related condition. Last evaluated: 2025-03-20. Review status: criteria provided, single submitter. Criteria: ACMG Guidelines, 2015. Collection method: clinical testing. Allele origin: germline.
Comment: This variant is classified as likely benign based on ACMG/AMP sequence variant interpretation guidelines (Richards et al. 2015 PMID: 25741868, with internal and published modifications).

Department of Pathology and Laboratory Medicine, Sinai Health System
Classification: Likely benign for Polycystic kidney disease, adult type. Last evaluated: 2022-06-02. Review status: criteria provided, single submitter. Criteria: ACMG Guidelines, 2015. Collection method: clinical testing. Allele origin: germline. Affected: yes.

Literature cited by the submitters: PubMed 22383692 (cited by Department of Pathology and Laboratory Medicine, Sinai Health System).

NM_001009944.3(PKD1):c.10251G>A (p.Thr3417=)

Gene: PKD1 (polycystin 1, transient receptor potential channel interacting; minus strand). Cytogenetic location: 16p13.3.
Variant type: single nucleotide variant.
Coding change: c.10251G>A on transcript NM_001009944.3 (MANE Select); coding-DNA position 10251, G replaced by A.
Protein change: p.Thr3417=; no amino-acid change (threonine 3417 retained).
Molecular consequence: synonymous variant.
Genome position (GRCh38, 1-based): chr16:2,097,473, C>T on the plus strand (G>A on the coding strand, the complement: PKD1 is on the minus strand). VCF-style: chr16-2097473-C-T. GRCh37 (hg19) VCF-style: chr16-2147474-C-T.
Other names: c.10248G>A, p.Thr3416= (NM_000296.4).
Identifiers: ClinVar variation 3780131 (VCV003780131.2).